The following is an entry in ClinVar:

ClinVar aggregate classification (germline): Uncertain significance. Review status: criteria provided, multiple submitters, no conflicts (2 of 4 stars). 2 submissions from 2 submitters: Uncertain significance (2). Last evaluated 2024-01-11.

Conditions:
Catecholaminergic polymorphic ventricular tachycardia 1. Also called: RYR2-Related Catecholaminergic Polymorphic Ventricular Tachycardia; VENTRICULAR TACHYCARDIA, CATECHOLAMINERGIC POLYMORPHIC, 1, WITH OR WITHOUT ATRIAL DYSFUNCTION AND/OR DILATED CARDIOMYOPATHY; VENTRICULAR TACHYCARDIA, STRESS-INDUCED POLYMORPHIC 1. Identifiers: Orphanet 3286, MedGen C1631597, MONDO:0011484, OMIM 604772.
Catecholaminergic polymorphic ventricular tachycardia (CVPT). Also called: Catecholamine-induced polymorphic ventricular tachycardia. Identifiers: Orphanet 3286, MedGen C5574922, MONDO:0017990.

Submissions (2):

All of Us Research Program, National Institutes of Health
Classification: Uncertain significance for Catecholaminergic polymorphic ventricular tachycardia. Last evaluated: 2024-01-11. Review status: criteria provided, single submitter. Criteria: ACMG Guidelines, 2015. Collection method: clinical testing. Allele origin: germline. Inheritance: Autosomal dominant inheritance. Observed: 2 variant alleles, 2 heterozygotes.
Comment: This study involves interpretation of variants in research participants for the purpose of population health screening. Participant phenotype was not available at the time of variant classification. Additional details can be found in publication PMID: 35346344, PMCID: PMC8962531

Labcorp Genetics (formerly Invitae), Labcorp
Classification: Uncertain significance for Catecholaminergic polymorphic ventricular tachycardia 1. Last evaluated: 2022-07-22. Review status: criteria provided, single submitter. Criteria: Invitae Variant Classification Sherloc (09022015). Collection method: clinical testing. Allele origin: germline.
Comment: In summary, the available evidence is currently insufficient to determine the role of this variant in disease. Therefore, it has been classified as a Variant of Uncertain Significance. ClinVar contains an entry for this variant (Variation ID: 573970). This variant has not been reported in the literature in individuals affected with RYR2-related conditions. This variant is not present in population databases (gnomAD no frequency). This sequence change creates a premature translational stop signal (p.Gln3998*) in the RYR2 gene. It is expected to result in an absent or disrupted protein product. However, the current clinical and genetic evidence is not sufficient to establish whether loss-of-function variants in RYR2 cause disease.

NM_001035.3(RYR2):c.11992C>T (p.Gln3998Ter)

Gene: RYR2 (ryanodine receptor 2; plus strand). Cytogenetic location: 1q43.
Variant type: single nucleotide variant.
Coding change: c.11992C>T on transcript NM_001035.3 (MANE Select); coding-DNA position 11992, C replaced by T.
Protein change: p.Gln3998Ter; replaces glutamine 3998 with a stop codon.
Molecular consequence: nonsense.
Genome position (GRCh38, 1-based): chr1:237,783,704, C>T. VCF-style: chr1-237783704-C-T. GRCh37 (hg19) VCF-style: chr1-237947004-C-T.
Other names: c.11992C>T, p.Gln3998Ter (LRG_402t1); short protein forms Q3998*.
Identifiers: ClinVar variation 573970 (VCV000573970.9), dbSNP rs1558403704, ClinGen allele CA345411840.